The following is an entry in ClinVar:

NM_005154.5(USP8):c.515A>G (p.Asn172Ser)

Gene: USP8 (ubiquitin specific peptidase 8; plus strand). Cytogenetic location: 15q21.2.
Variant type: single nucleotide variant.
Coding change: c.515A>G on transcript NM_005154.5 (MANE Select); coding-DNA position 515, A replaced by G.
Protein change: p.Asn172Ser; replaces asparagine 172 with serine.
Molecular consequence: missense variant.
Genome position (GRCh38, 1-based): chr15:50,462,296, A>G. VCF-style: chr15-50462296-A-G. GRCh37 (hg19) VCF-style: chr15-50754493-A-G.
Other names: c.515A>G, p.Asn172Ser (NM_001128610.3); c.284A>G, p.Asn95Ser (NM_001283049.2); short protein forms N172S, N95S.
Identifiers: ClinVar variation 1934655 (VCV001934655.5), dbSNP rs147121994, ClinGen allele CA7555493.

ClinVar aggregate classification (germline): Uncertain significance (1 of 4 stars; one submission).

Conditions:
Hereditary spastic paraplegia. Also called: Familial spastic paraparesis. Identifiers: Orphanet 685, MedGen C0037773, MONDO:0019064. Disease mechanism: loss of function.

Allele frequency attached by ClinVar (database versions not stated): gnomAD 0.00002; TOPMed 0.00003; ExAC 0.00005; gnomAD exomes 0.00012; ESP Exome Variant Server 0.00015.
gnomAD v4.1: 174 of 1,603,156 alleles (0.011%); highest among the groups gnomAD compares: Non-Finnish European, 0.014%; no homozygotes.

Submission:

Labcorp Genetics (formerly Invitae), Labcorp
Classification: Uncertain significance for Hereditary spastic paraplegia. Last evaluated: 2022-01-01. Review status: criteria provided, single submitter. Criteria: Invitae Variant Classification Sherloc (09022015). Collection method: clinical testing. Allele origin: germline.
Comment: This sequence change replaces asparagine, which is neutral and polar, with serine, which is neutral and polar, at codon 172 of the USP8 protein (p.Asn172Ser). In summary, the available evidence is currently insufficient to determine the role of this variant in disease. Therefore, it has been classified as a Variant of Uncertain Significance. Algorithms developed to predict the effect of missense changes on protein structure and function output the following: SIFT: "Tolerated"; PolyPhen-2: "Benign"; Align-GVGD: "Class C0". The serine amino acid residue is found in multiple mammalian species, which suggests that this missense change does not adversely affect protein function. This variant has not been reported in the literature in individuals affected with USP8-related conditions. This variant is present in population databases (rs147121994, gnomAD 0.01%).